The following is an entry in ClinVar:

ClinVar aggregate classification (germline): Uncertain significance (1 of 4 stars; one submission).

Allele frequency attached by ClinVar (database versions not stated): gnomAD exomes below 0.00001; TOPMed below 0.00001.
gnomAD v4.1: 5 of 1,613,958 alleles (0.00031%); highest among the groups gnomAD compares: Non-Finnish European, 0.00042%; no homozygotes.

Submission:

Labcorp Genetics (formerly Invitae), Labcorp
Classification: Uncertain significance. Last evaluated: 2022-08-09. Review status: criteria provided, single submitter. Criteria: Invitae Variant Classification Sherloc (09022015). Collection method: clinical testing. Allele origin: germline.
Comment: This sequence change replaces arginine, which is basic and polar, with glutamine, which is neutral and polar, at codon 1496 of the CDK5RAP2 protein (p.Arg1496Gln). This variant is present in population databases (no rsID available, gnomAD 0.006%). This variant has not been reported in the literature in individuals affected with CDK5RAP2-related conditions. Algorithms developed to predict the effect of missense changes on protein structure and function output the following: SIFT: "Tolerated"; PolyPhen-2: "Benign"; Align-GVGD: "Class C0". The glutamine amino acid residue is found in multiple mammalian species, which suggests that this missense change does not adversely affect protein function. In summary, the available evidence is currently insufficient to determine the role of this variant in disease. Therefore, it has been classified as a Variant of Uncertain Significance.

NM_018249.6(CDK5RAP2):c.4487G>A (p.Arg1496Gln)

Gene: CDK5RAP2 (CDK5 regulatory subunit associated protein 2; minus strand). Cytogenetic location: 9q33.2.
Variant type: single nucleotide variant.
Coding change: c.4487G>A on transcript NM_018249.6 (MANE Select); coding-DNA position 4487, G replaced by A.
Protein change: p.Arg1496Gln; replaces arginine 1496 with glutamine.
Molecular consequence: missense variant. On other transcripts: non-coding transcript variant (5).
Genome position (GRCh38, 1-based): chr9:120,409,244, C>T on the plus strand (G>A on the coding strand, the complement: CDK5RAP2 is on the minus strand). VCF-style: chr9-120409244-C-T. GRCh37 (hg19) VCF-style: chr9-123171522-C-T.
Other names: c.4487G>A, p.Arg1496Gln (NM_001011649.3); c.3797G>A, p.Arg1266Gln (NM_001272039.2); c.4388G>A, p.Arg1463Gln (NM_001410992.1); c.4391G>A, p.Arg1464Gln (NM_001410993.1); c.4484G>A, p.Arg1495Gln (NM_001410994.1); short protein forms R1266Q, R1463Q, R1464Q, R1495Q, R1496Q.
Identifiers: ClinVar variation 1715578 (VCV001715578.3), dbSNP rs1430582214, ClinGen allele CA374715884.